The following is an entry in ClinVar:

NM_015629.4(PRPF31):c.863G>A (p.Arg288Gln)

Gene: PRPF31 (pre-mRNA processing factor 31; plus strand). Cytogenetic location: 19q13.42.
Variant type: single nucleotide variant.
Coding change: c.863G>A on transcript NM_015629.4 (MANE Select); coding-DNA position 863, G replaced by A.
Protein change: p.Arg288Gln; replaces arginine 288 with glutamine.
Molecular consequence: missense variant.
Genome position (GRCh38, 1-based): chr19:54,126,535, G>A. VCF-style: chr19-54126535-G-A. GRCh37 (hg19) VCF-style: chr19-54629910-G-A.
Other names: short protein forms R288Q.
Identifiers: ClinVar variation 1501867 (VCV001501867.8), dbSNP rs756193579, ClinGen allele CA309327816.

ClinVar aggregate classification (germline): Uncertain significance (1 of 4 stars; one submission).

Allele frequency attached by ClinVar (database versions not stated): TOPMed below 0.00001; gnomAD 0.00001; gnomAD exomes 0.00001 and 0.00002; ExAC 0.00004.
gnomAD v4.1: 10 of 1,613,050 alleles (0.00062%); highest among the groups gnomAD compares: South Asian, 0.0055%; no homozygotes.

Submission:

Labcorp Genetics (formerly Invitae), Labcorp
Classification: Uncertain significance. Last evaluated: 2024-09-09. Review status: criteria provided, single submitter. Criteria: Invitae Variant Classification Sherloc (09022015). Collection method: clinical testing. Allele origin: germline.
Comment: This sequence change replaces arginine, which is basic and polar, with glutamine, which is neutral and polar, at codon 288 of the PRPF31 protein (p.Arg288Gln). This variant is present in population databases (rs756193579, gnomAD 0.007%). This variant has not been reported in the literature in individuals affected with PRPF31-related conditions. ClinVar contains an entry for this variant (Variation ID: 1501867). An algorithm developed to predict the effect of missense changes on protein structure and function (PolyPhen-2) suggests that this variant is likely to be disruptive. In summary, the available evidence is currently insufficient to determine the role of this variant in disease. Therefore, it has been classified as a Variant of Uncertain Significance.